The following is an entry in ClinVar:

NM_001148.6(ANK2):c.2970A>C (p.Arg990=)

Gene: ANK2 (ankyrin 2; plus strand). Cytogenetic location: 4q26.
Variant type: single nucleotide variant.
Coding change: c.2970A>C on transcript NM_001148.6 (MANE Select); coding-DNA position 2970, A replaced by C.
Protein change: p.Arg990=; no amino-acid change (arginine 990 retained).
Molecular consequence: synonymous variant.
Genome position (GRCh38, 1-based): chr4:113,330,315, A>C. VCF-style: chr4-113330315-A-C. GRCh37 (hg19) VCF-style: chr4-114251471-A-C.
Other names: p.R990R:CGA>CGC; p.Arg990=; c.2943A>C, p.Arg981= (NM_001127493.3); c.2982A>C, p.Arg994= (NM_001354225.2); c.2970A>C, p.Arg990= (NM_001354228.2, NM_001354258.2, NM_020977.5); c.3048A>C, p.Arg1016= (NM_001354230.2, NM_001354237.2); c.3012A>C, p.Arg1004= (NM_001354231.2, NM_001354242.2); c.3006A>C, p.Arg1002= (NM_001354232.2); and 26 more.
Identifiers: ClinVar variation 190527 (VCV000190527.40), dbSNP rs35956627, ClinGen allele CA300717.

ClinVar aggregate classification (germline): Benign/Likely benign. Review status: criteria provided, multiple submitters, no conflicts (2 of 4 stars). 9 submissions from 9 submitters: Benign (7); Likely benign (2). Last evaluated 2026-04-01.

Conditions:
Cardiovascular phenotype. Identifiers: MedGen CN230736.
Long QT syndrome (LQTS). Identifiers: MedGen C0023976, MeSH D008133, MONDO:0002442. Disease mechanism: loss of function. Inheritance: Various modes of inheritance.
Cardiac arrhythmia, ankyrin-B-related. Also called: ANKYRIN-B SYNDROME. Identifiers: Orphanet 101016, Orphanet 768, MedGen C1970119, MONDO:0010958, OMIM 600919.

Allele frequency attached by ClinVar (database versions not stated): gnomAD exomes 0.00027 and 0.00083; ExAC 0.00095; 1000 Genomes Project 0.00180; 1000 Genomes Project 30x 0.00234; gnomAD 0.00310 and 0.00336; ESP Exome Variant Server 0.00361; TOPMed 0.00380.
gnomAD v4.1: 887 of 1,614,208 alleles (0.055%); highest among the groups gnomAD compares: African/African-American, 1.1%; 7 homozygotes.

Submissions (9):

CeGaT Center for Human Genetics Tuebingen
Classification: Likely benign. Last evaluated: 2026-04-01. Review status: criteria provided, single submitter. Criteria: CeGaT Center For Human Genetics Tuebingen Variant Classification Criteria Version 2. Collection method: clinical testing. Allele origin: germline. Affected: yes. Observed: 3 variant alleles.
Comment: ANK2: BP4, BP7, BS1

Labcorp Genetics (formerly Invitae), Labcorp
Classification: Benign for Long QT syndrome. Last evaluated: 2026-02-02. Review status: criteria provided, single submitter. Criteria: Invitae Variant Classification Sherloc (09022015). Collection method: clinical testing. Allele origin: germline.

Molecular Diagnostic Laboratory for Inherited Cardiovascular Disease, Montreal Heart Institute
Classification: Benign. Last evaluated: 2025-04-09. Review status: criteria provided, single submitter. Criteria: ACMG Guidelines, 2015. Collection method: clinical testing. Allele origin: germline. Affected: no.

Genome-Nilou Lab
Classification: Benign for Cardiac arrhythmia, ankyrin-B-related. Last evaluated: 2021-12-05. Review status: criteria provided, single submitter. Criteria: ACMG Guidelines, 2015. Collection method: clinical testing. Allele origin: germline. Affected: no.

Fulgent Genetics
Classification: Benign for Cardiac arrhythmia, ankyrin-B-related. Last evaluated: 2021-07-28. Review status: criteria provided, single submitter. Criteria: ACMG Guidelines, 2015. Collection method: clinical testing. Allele origin: unknown.

Ambry Genetics
Classification: Benign for Cardiovascular phenotype. Last evaluated: 2016-06-01. Review status: criteria provided, single submitter. Criteria: Ambry Variant Classification Scheme 2023. Collection method: clinical testing. Allele origin: germline.

Mayo Clinic Laboratories, Mayo Clinic
Classification: Benign. Last evaluated: 2015-11-18. Review status: criteria provided, single submitter. Criteria: ACMG Guidelines, 2015. Collection method: clinical testing. Allele origin: germline. Observed: 2 variant alleles.

GeneDx
Classification: Benign. Last evaluated: 2014-07-16. Review status: criteria provided, single submitter. Criteria: GeneDx Variant Classification (06012015). Collection method: clinical testing. Allele origin: germline. Affected: yes.
Comment: This variant is considered likely benign or benign based on one or more of the following criteria: it is a conservative change, it occurs at a poorly conserved position in the protein, it is predicted to be benign by multiple in silico algorithms, and/or has population frequency not consistent with disease.

Breakthrough Genomics
Classification: Likely benign. Review status: criteria provided, single submitter. Criteria: ACMG Guidelines, 2015. Collection method: not provided. Allele origin: germline. Inheritance: Autosomal dominant inheritance. Affected: yes.